The following is an entry in ClinVar:

NM_002528.7(NTHL1):c.356_359dup (p.Arg121fs)

Gene: NTHL1 (nth like DNA glycosylase 1; minus strand). Cytogenetic location: 16p13.3.
Variant type: Duplication.
Coding change: c.356_359dup on transcript NM_002528.7 (MANE Select); coding-DNA positions 356 to 359, 4 bases duplicated (TACG; older notation c.356_359dupTACG).
Protein change: p.Arg121fs; shifts the reading frame from arginine 121.
Molecular consequence: frameshift variant. On other transcripts: intron variant (1).
Genome position (GRCh38, 1-based): chr16:2,044,796-2,044,799, CGTA duplicated on the plus strand (TACG on the coding strand, the reverse complement: NTHL1 is on the minus strand); duplicating any 4 consecutive bases within chr16:2,044,796-2,044,800 gives the same sequence; the c. name uses the placement nearest the transcript's 3' end. VCF-style (leftmost placement, unchanged base first): chr16-2044795-G-GCGTA. GRCh37 (hg19) VCF-style: chr16-2094796-G-GCGTA.
Other names: c.26_29dup, p.Arg11fs (NM_001318194.2); c.355-1073_355-1070dup (NM_001318193.2); c.356_359dup, p.Arg121fs (LRG_1366t1); c.380_383dup (NM_002528.6); short protein forms R121fs, R11fs.
Identifiers: ClinVar variation 644885 (VCV000644885.15), dbSNP rs759955745, ClinGen allele CA7828277.

ClinVar aggregate classification (germline): Pathogenic. Review status: criteria provided, multiple submitters, no conflicts (2 of 4 stars). 5 submissions from 5 submitters: Pathogenic (5). Last evaluated 2026-01-19.

Conditions:
Hereditary cancer-predisposing syndrome. Also called: Neoplastic Syndromes, Hereditary; Hereditary Cancer Syndrome; Tumor predisposition; Hereditary neoplastic syndrome. Identifiers: Orphanet 140162, MedGen C0027672, MeSH D009386, MONDO:0015356.
Familial adenomatous polyposis 3. Also called: NTHL1-associated polyposis; NTHL1-related attenuated familial adenomatous polyposis; NTHL1-Related Adenomatous Polyposis and Colorectal Cancer; NTHL1 Tumor Syndrome. Identifiers: Orphanet 220460, Orphanet 454840, MedGen C4225157, MONDO:0014630, OMIM 616415.

Submissions (5):

Labcorp Genetics (formerly Invitae), Labcorp
Classification: Pathogenic. Last evaluated: 2026-01-19. Review status: criteria provided, single submitter. Criteria: Invitae Variant Classification Sherloc (09022015). Collection method: clinical testing. Allele origin: germline.
Comment: This sequence change creates a premature translational stop signal (p.Arg129Thrfs*42) in the NTHL1 gene. It is expected to result in an absent or disrupted protein product. Loss-of-function variants in NTHL1 are known to be pathogenic (PMID: 25938944, 26559593). This variant is present in population databases (rs759955745, gnomAD 0.001%). This variant has not been reported in the literature in individuals affected with NTHL1-related conditions. ClinVar contains an entry for this variant (Variation ID: 644885). RNA analysis performed to evaluate the impact of this premature translational stop signal on mRNA splicing indicates it does not significantly alter splicing (internal data). For these reasons, this variant has been classified as Pathogenic.

Ambry Genetics
Classification: Pathogenic for Hereditary cancer-predisposing syndrome. Last evaluated: 2024-09-04. Review status: criteria provided, single submitter. Criteria: Ambry Variant Classification Scheme 2023. Collection method: clinical testing. Allele origin: germline.
Comment: The c.380_383dupTACG pathogenic mutation, located in coding exon 3 of the NTHL1 gene, results from a duplication of TACG at nucleotide position 380, causing a translational frameshift with a predicted alternate stop codon (p.R129Tfs*42). This variant is considered to be rare based on population cohorts in the Genome Aggregation Database (gnomAD). This alteration is expected to result in loss of function by premature protein truncation or nonsense-mediated mRNA decay. As such, this alteration is interpreted as a disease-causing mutation.

Quest Diagnostics Nichols Institute San Juan Capistrano
Classification: Pathogenic. Last evaluated: 2023-11-10. Review status: criteria provided, single submitter. Criteria: Quest Diagnostics criteria. Collection method: clinical testing. Allele origin: unknown.
Comment: The NTHL1 c.380_383dup (p.Arg129Thrfs*42) variant alters the translational reading frame of the NTHL1 mRNA and causes the premature termination of NTHL1 protein synthesis. This variant has been reported in the published literature in an individual with breast cancer (PMID: 33980861 (2021)). The frequency of this variant in the general population, 0.0000043 (1/234618 chromosomes (Genome Aggregation Database)), is consistent with pathogenicity. Based on the available information, this variant is classified as pathogenic.

Myriad Genetics, Inc.
Classification: Pathogenic for Familial adenomatous polyposis 3. Last evaluated: 2023-09-05. Review status: criteria provided, single submitter. Criteria: Myriad Autosomal Dominant, Autosomal Recessive and X-Linked Classification Criteria (2023). Collection method: clinical testing. Allele origin: unknown.
Comment: This variant is considered pathogenic. This variant creates a frameshift predicted to result in premature protein truncation.

Department of Pathology and Laboratory Medicine, Sinai Health System
Classification: Pathogenic for Familial adenomatous polyposis 3. Last evaluated: 2023-02-06. Review status: criteria provided, single submitter. Criteria: ACMG Guidelines, 2015. Collection method: research. Allele origin: germline.

Literature cited by the submitters: PubMed 25938944 (cited by Labcorp Genetics (formerly Invitae), Labcorp); PubMed 26559593 (cited by Labcorp Genetics (formerly Invitae), Labcorp); PubMed 33980861 (cited by Quest Diagnostics Nichols Institute San Juan Capistrano).